The following is an entry in ClinVar:

ClinVar aggregate classification (germline): Likely benign. Review status: criteria provided, multiple submitters, no conflicts (2 of 4 stars). 2 submissions from 2 submitters: Likely benign (2). Last evaluated 2018-06-14.

Allele frequency attached by ClinVar (database versions not stated): gnomAD 0.02360 and 0.02387; 1000 Genomes Project 0.02576; gnomAD exomes 0.02653; TOPMed 0.03044.
gnomAD v4.1: 29,106 of 1,116,308 alleles (2.6%); highest among the groups gnomAD compares: Admixed American, 13%; 841 homozygotes.

Submissions (2):

GeneDx
Classification: Likely benign. Last evaluated: 2018-06-14. Review status: criteria provided, single submitter. Criteria: GeneDx Variant Classification (06012015). Collection method: clinical testing. Allele origin: germline. Affected: yes.
Comment: This variant is considered likely benign or benign based on one or more of the following criteria: it is a conservative change, it occurs at a poorly conserved position in the protein, it is predicted to be benign by multiple in silico algorithms, and/or has population frequency not consistent with disease.

Breakthrough Genomics
Classification: Likely benign. Review status: criteria provided, single submitter. Criteria: ACMG Guidelines, 2015. Collection method: not provided. Allele origin: germline. Inheritance: Autosomal dominant inheritance. Affected: yes.

NM_017617.5(NOTCH1):c.1555+60G>T

Gene: NOTCH1 (notch receptor 1; minus strand). Cytogenetic location: 9q34.3.
Variant type: single nucleotide variant.
Coding change: c.1555+60G>T on transcript NM_017617.5 (MANE Select); 60 bases into the intron after coding-DNA position 1555, G replaced by T.
Molecular consequence: intron variant.
Genome position (GRCh38, 1-based): chr9:136,517,212, C>A on the plus strand (G>T on the coding strand, the complement: NOTCH1 is on the minus strand). VCF-style: chr9-136517212-C-A. GRCh37 (hg19) VCF-style: chr9-139411664-C-A.
Identifiers: ClinVar variation 678588 (VCV000678588.2), dbSNP rs11574886, ClinGen allele CA201587426.